The following is an entry in ClinVar:

NM_001079.4(ZAP70):c.21C>G (p.His7Gln)

Gene: ZAP70 (zeta chain of T cell receptor associated protein kinase 70; plus strand). Cytogenetic location: 2q11.2.
Variant type: single nucleotide variant.
Coding change: c.21C>G on transcript NM_001079.4 (MANE Select); coding-DNA position 21, C replaced by G.
Protein change: p.His7Gln; replaces histidine 7 with glutamine.
Molecular consequence: missense variant.
Genome position (GRCh38, 1-based): chr2:97,724,057, C>G. VCF-style: chr2-97724057-C-G. GRCh37 (hg19) VCF-style: chr2-98340520-C-G.
Other names: c.21C>G, p.His7Gln (NM_001378594.1); short protein forms H7Q.
Identifiers: ClinVar variation 2004118 (VCV002004118.1), dbSNP rs202216858, ClinGen allele CA1790011.

ClinVar aggregate classification (germline): Uncertain significance (1 of 4 stars; one submission).

Conditions:
Combined immunodeficiency due to ZAP70 deficiency (IMD48). Also called: Immunodeficiency 48; ZAP70 Deficiency. Identifiers: Orphanet 911, MedGen C2931299, MONDO:0010023, OMIM 269840.

Allele frequency attached by ClinVar (database versions not stated): ExAC 0.00011; TOPMed below 0.00001; gnomAD 0.00001.
gnomAD v4.1: 15 of 1,556,264 alleles (0.00096%); highest among the groups gnomAD compares: Non-Finnish European, 0.0011%; no homozygotes.

Submission:

Labcorp Genetics (formerly Invitae), Labcorp
Classification: Uncertain significance for Combined immunodeficiency due to ZAP70 deficiency. Last evaluated: 2021-12-29. Review status: criteria provided, single submitter. Criteria: Invitae Variant Classification Sherloc (09022015). Collection method: clinical testing. Allele origin: germline.
Comment: This sequence change replaces histidine, which is basic and polar, with glutamine, which is neutral and polar, at codon 7 of the ZAP70 protein (p.His7Gln). The frequency data for this variant in the population databases is considered unreliable, as metrics indicate poor data quality at this position in the gnomAD database. This variant has not been reported in the literature in individuals affected with ZAP70-related conditions. Algorithms developed to predict the effect of missense changes on protein structure and function are either unavailable or do not agree on the potential impact of this missense change (SIFT: "Not Available"; PolyPhen-2: "Benign"; Align-GVGD: "Not Available"). Algorithms developed to predict the effect of sequence changes on RNA splicing suggest that this variant may create or strengthen a splice site. In summary, the available evidence is currently insufficient to determine the role of this variant in disease. Therefore, it has been classified as a Variant of Uncertain Significance.